The following is an entry in ClinVar:

ClinVar aggregate classification (germline): Likely benign. Review status: criteria provided, multiple submitters, no conflicts (2 of 4 stars). 2 submissions from 2 submitters: Likely benign (2). Last evaluated 2025-12-13.

Conditions:
Charcot-Marie-Tooth disease axonal type 2Z. Also called: CHARCOT-MARIE-TOOTH DISEASE, AXONAL, AUTOSOMAL DOMINANT, TYPE 2Z; CHARCOT-MARIE-TOOTH NEUROPATHY, TYPE 2Z. Identifiers: Orphanet 466768, MedGen C5569025, MONDO:0014736, OMIM 616688.

Allele frequency attached by ClinVar (database versions not stated): gnomAD 0.00001 and 0.00002; gnomAD exomes 0.00001 and 0.00002; TOPMed 0.00001; ExAC 0.00003.
gnomAD v4.1: 23 of 1,614,060 alleles (0.0014%); highest among the groups gnomAD compares: Non-Finnish European, 0.0018%; no homozygotes.

Submissions (2):

Labcorp Genetics (formerly Invitae), Labcorp
Classification: Likely benign for Charcot-Marie-Tooth disease axonal type 2Z. Last evaluated: 2025-12-13. Review status: criteria provided, single submitter. Criteria: Invitae Variant Classification Sherloc (09022015). Collection method: clinical testing. Allele origin: germline.

CeGaT Center for Human Genetics Tuebingen
Classification: Likely benign. Last evaluated: 2025-08-01. Review status: criteria provided, single submitter. Criteria: CeGaT Center For Human Genetics Tuebingen Variant Classification Criteria Version 2. Collection method: clinical testing. Allele origin: germline. Affected: yes. Observed: 1 variant allele.
Comment: MORC2: BP4

NM_001303256.3(MORC2):c.870G>A (p.Gln290=)

Gene: MORC2 (MORC family CW-type zinc finger 2; minus strand). Cytogenetic location: 22q12.2.
Variant type: single nucleotide variant.
Coding change: c.870G>A on transcript NM_001303256.3 (MANE Select); coding-DNA position 870, G replaced by A.
Protein change: p.Gln290=; no amino-acid change (glutamine 290 retained).
Molecular consequence: synonymous variant.
Genome position (GRCh38, 1-based): chr22:30,940,792, C>T on the plus strand (G>A on the coding strand, the complement: MORC2 is on the minus strand). VCF-style: chr22-30940792-C-T. GRCh37 (hg19) VCF-style: chr22-31336779-C-T.
Other names: c.870G>A, p.Gln290= (NM_001303257.2); c.684G>A, p.Gln228= (NM_014941.3).
Identifiers: ClinVar variation 475600 (VCV000475600.19), dbSNP rs766060409, ClinGen allele CA10187139.
Genomic context (GRCh38, chr22:30,940,792, plus strand): 5'-AACTCCTGCACCCAGAGTGGCATTACCAATCCTTGCTACGTGCTCTGCTTTCTTCACCTC[C>T]TGCTCCGCACGGGTCTTGAAACGGCTTGACGTGTACTTGTACATCCTGATCAGTAGAAAA-3'
Protein context (NP_001290185.1, residues 280-300): TSSRFKTRAE[Gln290=]EVKKAEHVAR